The following is an entry in ClinVar:

ClinVar aggregate classification (germline): Likely pathogenic (1 of 4 stars; one submission).

Conditions:
Bardet-Biedl syndrome 2 (BBS2). Identifiers: Orphanet 110, MedGen C2936863, MONDO:0014432, OMIM 615981.

Submission:

Myriad Genetics, Inc.
Classification: Likely pathogenic for Bardet-Biedl syndrome 2. Last evaluated: 2021-12-16. Review status: criteria provided, single submitter. Criteria: Myriad Women's Health Autosomal Recessive and X-Linked Classification Criteria (2021). Collection method: clinical testing. Allele origin: unknown.
Comment: NM_031885.3(BBS2):c.766G>T(G256*) is expected to be pathogenic in the context of Bardet-Biedl syndrome, BBS2-related. This variant is predicted to lead to an abnormal or absent protein product due to the creation of a premature termination codon in BBS2, a gene where loss-of-function variants are known to be pathogenic. Please note: this variant was assessed in the context of healthy population screening.

NM_031885.5(BBS2):c.766G>T (p.Gly256Ter)

Gene: BBS2 (Bardet-Biedl syndrome 2; minus strand). Cytogenetic location: 16q13.
Variant type: single nucleotide variant.
Coding change: c.766G>T on transcript NM_031885.5 (MANE Select); coding-DNA position 766, G replaced by T.
Protein change: p.Gly256Ter; replaces glycine 256 with a stop codon.
Molecular consequence: nonsense. On other transcripts: non-coding transcript variant (5).
Genome position (GRCh38, 1-based): chr16:56,505,988, C>A on the plus strand (G>T on the coding strand, the complement: BBS2 is on the minus strand). VCF-style: chr16-56505988-C-A. GRCh37 (hg19) VCF-style: chr16-56539900-C-A.
Other names: c.766G>T, p.Gly256Ter (NM_001377456.1); short protein forms G256*.
Identifiers: ClinVar variation 1726373 (VCV001726373.2), dbSNP rs886052147, ClinGen allele CA395982682.
Genomic context (GRCh38, chr16:56,505,988, plus strand): 5'-GAACTTTGCTATTCAAACTTACCTTCCCATTGGACCAACCAGTTATCAGTTCATTCACTC[C>A]ATCAGAATTAAGGTCAAAAGCATGAATGCTCATGGCATGATTTTTCGACTGAAAAAGAAT-3'